The following is an entry in ClinVar:

ClinVar aggregate classification (germline): Likely benign. Review status: criteria provided, multiple submitters, no conflicts (2 of 4 stars). 5 submissions from 5 submitters: Likely benign (3). 2 of the submissions do not count toward it. Last evaluated 2026-01-11.

Conditions:
Aspartylglucosaminuria (AGU). Also called: AGA DEFICIENCY; GLYCOASPARAGINASE; GLYCOSYLASPARAGINASE DEFICIENCY; Aspartylglucos-aminuria; Aspartylglucos-amidase (AGA) deficiency. Identifiers: Orphanet 93, MedGen C0268225, MONDO:0008830, OMIM 208400, HP:0012068.
AGA-related disorder. Also called: AGA-related condition.
Inborn genetic diseases. Identifiers: MedGen C0950123, MeSH D030342.

Allele frequency attached by ClinVar (database versions not stated): ExAC 0.00002; gnomAD 0.00004 and 0.00005; gnomAD exomes 0.00004; TOPMed 0.00004; ESP Exome Variant Server 0.00008; 1000 Genomes Project 30x 0.00031; 1000 Genomes Project 0.00040.
gnomAD v4.1: 46 of 1,614,100 alleles (0.0028%); highest among the groups gnomAD compares: African/African-American, 0.017%; no homozygotes.

Submissions (5):

Labcorp Genetics (formerly Invitae), Labcorp
Classification: Likely benign for Aspartylglucosaminuria. Last evaluated: 2026-01-11. Review status: criteria provided, single submitter. Criteria: Invitae Variant Classification Sherloc (09022015). Collection method: clinical testing. Allele origin: germline.

Blueprint Genetics
Classification: Likely benign. Last evaluated: 2024-06-11. Review status: criteria provided, single submitter. Criteria: ACMG Guidelines, 2015. Collection method: clinical testing. Allele origin: germline.

Ambry Genetics
Classification: Likely benign for Inborn genetic diseases. Last evaluated: 2019-10-23. Review status: criteria provided, single submitter. Criteria: Ambry Variant Classification Scheme 2023. Collection method: clinical testing. Allele origin: germline.

Natera, Inc.
Classification: Uncertain significance for Aspartylglucosaminuria. Last evaluated: 2020-01-24. Review status: no assertion criteria provided. Collection method: clinical testing. Allele origin: germline. Not counted in ClinVar's aggregate classification.

PreventionGenetics, part of Exact Sciences
Classification: Likely benign for AGA-related condition. Last evaluated: 2019-03-22. Review status: no assertion criteria provided. Collection method: clinical testing. Allele origin: germline. Not counted in ClinVar's aggregate classification.
Comment: This variant is classified as likely benign based on ACMG/AMP sequence variant interpretation guidelines (Richards et al. 2015 PMID: 25741868, with internal and published modifications).

NM_000027.4(AGA):c.24T>C (p.Pro8=)

Gene: AGA (aspartylglucosaminidase; minus strand). Cytogenetic location: 4q34.3.
Variant type: single nucleotide variant.
Coding change: c.24T>C on transcript NM_000027.4 (MANE Select); coding-DNA position 24, T replaced by C.
Protein change: p.Pro8=; no amino-acid change (proline 8 retained).
Molecular consequence: synonymous variant. On other transcripts: non-coding transcript variant (1).
Genome position (GRCh38, 1-based): chr4:177,442,352, A>G on the plus strand (T>C on the coding strand, the complement: AGA is on the minus strand). VCF-style: chr4-177442352-A-G. GRCh37 (hg19) VCF-style: chr4-178363506-A-G.
Other names: c.24T>C, p.Pro8= (NM_001171988.2).
Identifiers: ClinVar variation 778164 (VCV000778164.17), dbSNP rs34413111, ClinGen allele CA3147077.
Genomic context (GRCh38, chr4:177,442,352, plus strand): 5'-GGGCAGAGGGCTGGAGCAGCGCACTAGGGCCTGGCAGAGCAGAAACGGCACGAGAAGCAC[A>G]GGCAAGTTCGACTTCCGCGCCATCCCTGACCACCGAAGAGACCAGCGCGAGAAAAGTCCC-3'
Protein context (NP_000018.2, residues 1-18): MARKSNL[Pro8=]VLLVPFLLCQ